The following is an entry in ClinVar:

NM_002471.4(MYH6):c.5417C>A (p.Ala1806Asp)

Gene: MYH6 (myosin heavy chain 6; minus strand). Cytogenetic location: 14q11.2.
Variant type: single nucleotide variant.
Coding change: c.5417C>A on transcript NM_002471.4 (MANE Select); coding-DNA position 5417, C replaced by A.
Protein change: p.Ala1806Asp; replaces alanine 1806 with aspartic acid.
Molecular consequence: missense variant.
Genome position (GRCh38, 1-based): chr14:23,384,590, G>T on the plus strand (C>A on the coding strand, the complement: MYH6 is on the minus strand). VCF-style: chr14-23384590-G-T. GRCh37 (hg19) VCF-style: chr14-23853799-G-T.
Other names: short protein forms A1806D.
Identifiers: ClinVar variation 4686103 (VCV004686103.1).
Genomic context (GRCh38, chr14:23,384,590, plus strand): 5'-CCCTCCAGCTCCCGCACCCGCGCTTCCAGCTTCTGCAGCTGCTTCTTGCCTCCCTTGAGG[G>T]CGATCTGCTCGGCCTCGTCCAGCCGGTGCTGCAGGTCCTTAATGGTCTGCTCCATGTTCT-3'
Protein context (NP_002462.2, residues 1796-1816): QHRLDEAEQI[Ala1806Asp]LKGGKKQLQK

ClinVar aggregate classification (germline): Uncertain significance (1 of 4 stars; one submission).

gnomAD v4.1: 3 of 1,613,746 alleles (0.00019%); highest among the groups gnomAD compares: Non-Finnish European, 0.00025%; no homozygotes.

Submission:

GeneDx
Classification: Uncertain significance. Last evaluated: 2025-07-19. Review status: criteria provided, single submitter. Criteria: GeneDx Variant Classification Process June 2021. Collection method: clinical testing. Allele origin: germline. Affected: yes.
Comment: Not observed at significant frequency in large population cohorts (gnomAD); In silico analysis supports that this missense variant has a deleterious effect on protein structure/function; Has not been previously published as pathogenic or benign to our knowledge